The following is an entry in ClinVar:

NM_001142864.4(PIEZO1):c.2314A>G (p.Thr772Ala)

Genes: HSALR1 (HSP90AB1 associated lncRNA 1; plus strand), PIEZO1 (piezo type mechanosensitive ion channel component 1 (Er blood group); minus strand). Cytogenetic location: 16q24.3.
Variant type: single nucleotide variant.
Coding change: c.2314A>G on transcript NM_001142864.4 (MANE Select); coding-DNA position 2314, A replaced by G.
Protein change: p.Thr772Ala; replaces threonine 772 with alanine.
Molecular consequence: missense variant.
Genome position (GRCh38, 1-based): chr16:88,733,921, T>C on the plus strand (A>G on the coding strand, the complement: PIEZO1 is on the minus strand). VCF-style: chr16-88733921-T-C. GRCh37 (hg19) VCF-style: chr16-88800329-T-C.
Other names: short protein forms T772A.
Identifiers: ClinVar variation 4989717 (VCV004989717.1).

ClinVar aggregate classification (germline): Uncertain significance (1 of 4 stars; one submission).

Conditions:
PIEZO1-related disorder. Also called: PIEZO1-related condition; PIEZO1-Related Disorders.

Submission:

PreventionGenetics, part of Exact Sciences
Classification: Uncertain significance for PIEZO1-related condition. Last evaluated: 2025-01-25. Review status: criteria provided, single submitter. Criteria: ACMG Guidelines, 2015. Collection method: clinical testing. Allele origin: germline.
Comment: The PIEZO1 c.2314A>G variant is predicted to result in the amino acid substitution p.Thr772Ala. To our knowledge, this variant has not been reported in the literature or in a large population database (gnomAD), indicating this variant is rare. At this time, the clinical significance of this variant is uncertain due to the absence of conclusive functional and genetic evidence.